The following is an entry in ClinVar:

ClinVar aggregate classification (germline): Uncertain significance. Review status: criteria provided, multiple submitters, no conflicts (2 of 4 stars). 4 submissions from 4 submitters: Uncertain significance (4). Last evaluated 2024-10-09.

Allele frequency attached by ClinVar (database versions not stated): gnomAD 0.00003; 1000 Genomes Project 30x 0.00016; TOPMed 0.00016; 1000 Genomes Project 0.00020; ExAC 0.00031.
gnomAD v4.1: 327 of 1,611,696 alleles (0.02%); highest among the groups gnomAD compares: Middle Eastern, 0.3%; 1 homozygote.

Submissions (4):

Blueprint Genetics
Classification: Uncertain significance. Last evaluated: 2024-10-09. Review status: criteria provided, single submitter. Criteria: ACMG Guidelines, 2015. Collection method: clinical testing. Allele origin: germline.

Ambry Genetics
Classification: Uncertain significance. Last evaluated: 2024-08-20. Review status: criteria provided, single submitter. Criteria: Ambry Variant Classification Scheme 2023. Collection method: clinical testing. Allele origin: germline.

Laboratory for Molecular Medicine, Mass General Brigham Personalized Medicine
Classification: Uncertain significance. Last evaluated: 2016-03-29. Review status: criteria provided, single submitter. Criteria: LMM Criteria. Collection method: clinical testing. Allele origin: germline.
Comment: Variant identified in a genome or exome case(s) and assessed due to predicted null impact of the variant or pathogenic assertions in the literature or databases. Disclaimer: This variant has not undergone full assessment. The following are preliminary notes: c.3431_3432delinsAT (p.Ser1144Asn). Missense variant, not reported previously.

Breakthrough Genomics
Classification: Uncertain significance. Review status: criteria provided, single submitter. Criteria: ACMG Guidelines, 2015. Collection method: not provided. Allele origin: germline. Inheritance: Autosomal recessive inheritance. Affected: yes.

NM_015512.5(DNAH1):c.3431G>A (p.Ser1144Asn)

Gene: DNAH1 (dynein axonemal heavy chain 1; plus strand). Cytogenetic location: 3p21.1.
Variant type: single nucleotide variant.
Coding change: c.3431G>A on transcript NM_015512.5 (MANE Select); coding-DNA position 3431, G replaced by A.
Protein change: p.Ser1144Asn; replaces serine 1144 with asparagine.
Molecular consequence: missense variant.
Genome position (GRCh38, 1-based): chr3:52,353,584, G>A. VCF-style: chr3-52353584-G-A. GRCh37 (hg19) VCF-style: chr3-52387600-G-A.
Other names: short protein forms S1144N.
Identifiers: ClinVar variation 402607 (VCV000402607.10), dbSNP rs571987789, ClinGen allele CA2433565.